The following is an entry in ClinVar:

NM_001363118.2(SLC52A2):c.1303A>G (p.Ser435Gly)

Gene: SLC52A2 (solute carrier family 52 member 2; plus strand). Cytogenetic location: 8q24.3.
Variant type: single nucleotide variant.
Coding change: c.1303A>G on transcript NM_001363118.2 (MANE Select); coding-DNA position 1303, A replaced by G.
Protein change: p.Ser435Gly; replaces serine 435 with glycine.
Molecular consequence: missense variant. On other transcripts: non-coding transcript variant (1).
Genome position (GRCh38, 1-based): chr8:144,360,980, A>G. VCF-style: chr8-144360980-A-G. GRCh37 (hg19) VCF-style: chr8-145584640-A-G.
Other names: c.1303A>G, p.Ser435Gly (NM_001253815.2, NM_001253816.2, NM_001363120.2 and 2 more transcripts); c.811A>G, p.Ser271Gly (NM_001363122.2); c.1039A>G, p.Ser347Gly (NM_001410949.1); short protein forms S347G, S435G, S271G.
Identifiers: ClinVar variation 2039427 (VCV002039427.5), dbSNP rs1554854659, ClinGen allele CA372630420.

ClinVar aggregate classification (germline): Uncertain significance. Review status: criteria provided, multiple submitters, no conflicts (2 of 4 stars). 2 submissions from 2 submitters: Uncertain significance (2). Last evaluated 2024-09-06.

Conditions:
Brown-Vialetto-van Laere syndrome 2. Also called: SPINOCEREBELLAR ATAXIA WITH BLINDNESS AND DEAFNESS 2; Riboflavin transporter deficiency type 2. Identifiers: Orphanet 572543, Orphanet 97229, MedGen C3553538, MONDO:0013867, OMIM 614707.

Allele frequency attached by ClinVar (database versions not stated): TOPMed below 0.00001; gnomAD 0.00001.

Submissions (2):

Blueprint Genetics
Classification: Uncertain significance. Last evaluated: 2024-09-06. Review status: criteria provided, single submitter. Criteria: ACMG Guidelines, 2015. Collection method: clinical testing. Allele origin: germline.

Labcorp Genetics (formerly Invitae), Labcorp
Classification: Uncertain significance for Brown-Vialetto-van Laere syndrome 2. Last evaluated: 2023-08-17. Review status: criteria provided, single submitter. Criteria: Invitae Variant Classification Sherloc (09022015). Collection method: clinical testing. Allele origin: germline.
Comment: This sequence change replaces serine, which is neutral and polar, with glycine, which is neutral and non-polar, at codon 435 of the SLC52A2 protein (p.Ser435Gly). This variant is not present in population databases (gnomAD no frequency). This variant has not been reported in the literature in individuals affected with SLC52A2-related conditions. ClinVar contains an entry for this variant (Variation ID: 2039427). Advanced modeling of protein sequence and biophysical properties (such as structural, functional, and spatial information, amino acid conservation, physicochemical variation, residue mobility, and thermodynamic stability) has been performed at Invitae for this missense variant, however the output from this modeling did not meet the statistical confidence thresholds required to predict the impact of this variant on SLC52A2 protein function. In summary, the available evidence is currently insufficient to determine the role of this variant in disease. Therefore, it has been classified as a Variant of Uncertain Significance.